The following is an entry in ClinVar:

ClinVar aggregate classification (germline): Conflicting classifications of pathogenicity. Review status: criteria provided, conflicting classifications (1 of 4 stars). 13 submissions from 13 submitters: Uncertain significance (8); Likely benign (4). 1 of the submissions does not count toward it. Last evaluated 2026-01-27.

Conditions:
Marfan syndrome (MFS). Also called: Marfan syndrome, classic; FBN1-Related Marfan Syndrome; Marfan syndrome type 1; Marfan's syndrome; MARFAN SYNDROME, TYPE I. Identifiers: Orphanet 284963, Orphanet 558, MedGen C0024796, MONDO:0007947, OMIM 154700.
MASS syndrome (OCTD). Also called: OVERLAP CONNECTIVE TISSUE DISEASE; MASS PHENOTYPE. Identifiers: MedGen C1858556, MONDO:0011431, OMIM 604308.
Weill-Marchesani syndrome 2, dominant. Also called: Weill-Marchesani Syndrome, Autosomal Dominant; FBN1-Related Weill-Marchesani Syndrome. Identifiers: Orphanet 2084, MedGen C1869115, MONDO:0012013, OMIM 608328.
Acromicric dysplasia (ACMICD). Also called: Acromicric skeletal dysplasia. Identifiers: Orphanet 969, MedGen C0265287, MONDO:0007055, OMIM 102370.
Ectopia lentis 1, isolated, autosomal dominant (ECTOL1). Identifiers: Orphanet 1885, MedGen C3541518, MONDO:0007514, OMIM 129600.
Stiff skin syndrome (SSKS). Identifiers: Orphanet 2833, MedGen C1861456, MONDO:0008492, OMIM 184900.
Geleophysic dysplasia 2 (GPHYSD2). Identifiers: Orphanet 2623, MedGen C3280054, MONDO:0013612, OMIM 614185.
Progeroid and marfanoid aspect-lipodystrophy syndrome. Also called: MARFANOID-PROGEROID SYNDROME; MARFAN-PROGEROID-LIPODYSTROPHY SYNDROME; Marfan lipodystrophy syndrome; MARFANOID-PROGEROID-LIPODYSTROPHY SYNDROME. Identifiers: Orphanet 300382, MedGen C4310796, MONDO:0014831, OMIM 616914.
Familial thoracic aortic aneurysm and aortic dissection (TAAD). Also called: Thoracic aortic aneurysms and dissections. Identifiers: Orphanet 91387, MedGen C4707243, MONDO:0019625.
FBN1-related disorder. Also called: FBN1-related disorders.

Allele frequency attached by ClinVar (database versions not stated): ExAC 0.00008; gnomAD exomes 0.00027 and 0.00011; TOPMed 0.00014; gnomAD 0.00017 and 0.00018.

Submissions 1 to 7 of 13:

Labcorp Genetics (formerly Invitae), Labcorp
Classification: Likely benign for Marfan syndrome; Familial thoracic aortic aneurysm and aortic dissection. Last evaluated: 2026-01-27. Review status: criteria provided, single submitter. Criteria: Invitae Variant Classification Sherloc (09022015). Collection method: clinical testing. Allele origin: germline.

Women's Health and Genetics/Laboratory Corporation of America, LabCorp
Classification: Likely benign. Last evaluated: 2025-07-01. Review status: criteria provided, single submitter. Criteria: LabCorp Variant Classification Summary - May 2015. Collection method: clinical testing. Allele origin: germline.
Comment: Variant summary: FBN1 c.4727T>C (p.Met1576Thr) results in a non-conservative amino acid change located in the TB domain (IPR017878) of the encoded protein sequence. Algorithms developed to predict the effect of missense changes on protein structure and function are either unavailable or do not agree on the potential impact of this missense change. The variant allele was found at a frequency of 0.00011 in 252050 control chromosomes, predominantly at a frequency of 0.00024 within the Non-Finnish European subpopulation in the gnomAD database. The observed variant frequency within Non-Finnish European control individuals in the gnomAD database is approximately 2 fold of the estimated maximal expected allele frequency for a pathogenic variant in FBN1 causing Aortopathy phenotype (0.00011). c.4727T>C has been observed in individual(s) affected with Adolescent Idiopathic Scoliosis, suspected Marfan Syndrome and other related conditions (e.g. Rommel_2005, Rybczynski_2008, Sheikhzadeh_2012, Buchan_2014, Madar_2019, Damrauer_2019, Gillis_2017). These report(s) do not provide unequivocal conclusions about association of the variant with Aortopathy. To our knowledge, no experimental evidence demonstrating an impact on protein function has been reported. The following publications have been ascertained in the context of this evaluation (PMID: 16220557, 19012347, 21883168, 26333736, 24833718, 28659821, 31211626, 31163209). ClinVar contains an entry for this variant (Variation ID: 200054). Based on the evidence outlined above, the variant was classified as likely benign.

ARUP Laboratories, Molecular Genetics and Genomics, ARUP Laboratories
Classification: Uncertain significance. Last evaluated: 2025-03-27. Review status: criteria provided, single submitter. Criteria: ARUP Molecular Germline Variant Investigation Process 2024. Collection method: clinical testing. Allele origin: germline.
Comment: The FBN1 c.4727T>C; p.Met1576Thr variant (rs776625874) is reported in the literature in several individuals with features of Marfan syndrome or with idiopathic scoliosis (Buchan 2014, Rommel 2005, Rybczynski 2008, Sheikhzadeh 2012) but is also reported in individuals with no cardiovascular phenotypes (Damrauer 2019). This variant is found in the non-Finnish European population with an allele frequency of 0.026% (33/129,010 alleles) in the Genome Aggregation Database (v2.1.1). Computational analyses are uncertain whether this variant is neutral or deleterious (REVEL: 0.457). Tissue from an individual with this variant showed elevated SMAD2 phosphorylation compared to tissue from a control individual (Buchan 2014); however the clinical relevance of this assay is unclear. Due to limited information, the clinical significance of this variant is uncertain at this time. References: Buchan JG et al. Rare variants in FBN1 and FBN2 are associated with severe adolescent idiopathic scoliosis. Hum Mol Genet. 2014 Oct 1;23(19):5271-82. PMID: 24833718. Damrauer SM et al. FBN1 Coding Variants and Nonsyndromic Aortic Disease. Circ Genom Precis Med. 2019 Jun;12(6):e002454. PMID: 31211626. Rommel K et al. Identification of 29 novel and nine recurrent fibrillin-1 (FBN1) mutations and genotype-phenotype correlations in 76 patients with Marfan syndrome. Hum Mutat. 2005 Dec;26(6):529-39. PMID: 16220557. Rybczynski M et al. The spectrum of syndromes and manifestations in individuals screened for suspected Marfan syndrome. Am J Med Genet A. 2008 Dec 15;146A(24):3157-66. PMID: 19012347. Sheikhzadeh S et al. Analysis of phenotype and genotype information for the diagnosis of Marfan syndrome. Clin Genet. 2012 Sep;82(3):240-7. PMID: 21883168.

Blueprint Genetics
Classification: Likely benign. Last evaluated: 2024-10-10. Review status: criteria provided, single submitter. Criteria: ACMG Guidelines, 2015. Collection method: clinical testing. Allele origin: germline.

GeneDx
Classification: Uncertain significance. Last evaluated: 2024-09-04. Review status: criteria provided, single submitter. Criteria: GeneDx Variant Classification Process June 2021. Collection method: clinical testing. Allele origin: germline. Affected: yes.
Comment: Reported in at least two individuals with aortic dilation/dissection (PMID: 16220557, 19012347, 21883168), as well as individuals with a Marfan-related phenotype (PMID: 31211626, 31163209); Reported in individuals with severe adolescent idiopathic scoliosis (PMID: 24833718, 26333736); In silico analysis indicates that this missense variant does not alter protein structure/function; Does not affect a cysteine residue within a calcium-binding EGF-like domain of the FBN1 gene; cysteine substitutions in the calcium-binding EGF-like domains represent the majority of pathogenic missense changes associated with FBN-related disorders (PMID: 12938084); This variant is associated with the following publications: (PMID: 31211626, 26333736, 21883168, 19012347, 29935118, 31163209, 24833718, 16220557, 28659821, 37937776, 12938084)

All of Us Research Program, National Institutes of Health
Classification: Uncertain significance for Marfan syndrome. Last evaluated: 2024-08-13. Review status: criteria provided, single submitter. Criteria: ACMG Guidelines, 2015. Collection method: clinical testing. Allele origin: germline. Inheritance: Autosomal dominant inheritance. Observed: 69 variant alleles, 69 heterozygotes.
Comment: This missense variant replaces methionine with threonine at codon 1576 of the FBN1 protein. Computational prediction suggests that this variant may not impact protein structure and function (internally defined REVEL score threshold <= 0.5, PMID: 27666373). To our knowledge, functional studies have not been reported for this variant. This variant has been reported in an individual affected with Marfan syndrome and in an individual with unknown family history who presented with isolated dilatation of the ascending aorta (PMID: 16220557). This variant has also been identified in three individuals affected with idiopathic scoliosis (PMID: 24833718), one of whom was studied in detail and did not show symptoms associated with Marfan syndrome. This variant has also been identified in 34/282694 chromosomes in the general population by the Genome Aggregation Database (gnomAD). The available evidence is insufficient to determine the role of this variant in disease conclusively. Therefore, this variant is classified as a Variant of Uncertain Significance.

This study involves interpretation of variants in research participants for the purpose of population health screening. Participant phenotype was not available at the time of variant classification. Additional details can be found in publication PMID: 35346344, PMCID: PMC8962531

Color Diagnostics, LLC DBA Color Health
Classification: Uncertain significance for Familial thoracic aortic aneurysm and aortic dissection. Last evaluated: 2024-02-16. Review status: criteria provided, single submitter. Criteria: ACMG Guidelines, 2015. Collection method: clinical testing. Allele origin: germline.
Comment: This missense variant replaces methionine with threonine at codon 1576 of the FBN1 protein. Computational prediction suggests that this variant may not impact protein structure and function (internally defined REVEL score threshold <= 0.5, PMID: 27666373). To our knowledge, functional studies have not been reported for this variant. This variant has been reported in an individual affected with Marfan syndrome and in an individual who presented with isolated dilatation of the ascending aorta (PMID: 16220557), as well as in an individual affected with suspected Marfan syndrome or related fibrillinopathy (PMID: 31163209). This variant has been identified in three individuals affected with idiopathic scoliosis, one of whom was studied in detail and did not show symptoms associated with Marfan syndrome (PMID: 24833718). This variant has also been identified in 34/282694 chromosomes in the general population by the Genome Aggregation Database (gnomAD). The available evidence is insufficient to determine the role of this variant in disease conclusively. Therefore, this variant is classified as a Variant of Uncertain Significance.

NM_000138.5(FBN1):c.4727T>C (p.Met1576Thr)

Gene: FBN1 (fibrillin 1; minus strand). Cytogenetic location: 15q21.1.
Variant type: single nucleotide variant.
Coding change: c.4727T>C on transcript NM_000138.5 (MANE Select); coding-DNA position 4727, T replaced by C.
Protein change: p.Met1576Thr; replaces methionine 1576 with threonine.
Molecular consequence: missense variant.
Genome position (GRCh38, 1-based): chr15:48,467,958, A>G on the plus strand (T>C on the coding strand, the complement: FBN1 is on the minus strand). VCF-style: chr15-48467958-A-G. GRCh37 (hg19) VCF-style: chr15-48760155-A-G.
Other names: p.M1576T:ATG>ACG; short protein forms M1576T.
Identifiers: ClinVar variation 200054 (VCV000200054.57), dbSNP rs776625874, ClinGen allele CA015377.